The following is an entry in ClinVar:

ClinVar aggregate classification (germline): Likely benign. Review status: criteria provided, multiple submitters, no conflicts (2 of 4 stars). 2 submissions from 2 submitters: Likely benign (2). Last evaluated 2025-03-01.

gnomAD v4.1: 3,490 of 1,613,524 alleles (0.22%); highest among the groups gnomAD compares: Middle Eastern, 0.36%; 7 homozygotes.

Submissions (2):

CeGaT Center for Human Genetics Tuebingen
Classification: Likely benign. Last evaluated: 2025-03-01. Review status: criteria provided, single submitter. Criteria: CeGaT Center For Human Genetics Tuebingen Variant Classification Criteria Version 2. Collection method: clinical testing. Allele origin: germline. Affected: yes. Observed: 1 variant allele.
Comment: FBLN1: BP4, BP7

Blueprint Genetics
Classification: Likely benign. Last evaluated: 2024-11-20. Review status: criteria provided, single submitter. Criteria: ACMG Guidelines, 2015. Collection method: clinical testing. Allele origin: germline.

NM_006486.3(FBLN1):c.1698-11494G>A

Gene: FBLN1 (fibulin 1; plus strand). Cytogenetic location: 22q13.31.
Variant type: single nucleotide variant.
Coding change: c.1698-11494G>A on transcript NM_006486.3 (MANE Select); 11494 bases into the intron before coding-DNA position 1698, G replaced by A.
Molecular consequence: intron variant. On other transcripts: synonymous variant (1).
Genome position (GRCh38, 1-based): chr22:45,563,017, G>A. VCF-style: chr22-45563017-G-A. GRCh37 (hg19) VCF-style: chr22-45958897-G-A.
Other names: c.1803G>A, p.Ala601= (NM_001996.4); c.1698-1867G>A (NM_006485.4).
Identifiers: ClinVar variation 3777883 (VCV003777883.8).